The following is an entry in ClinVar:

ClinVar aggregate classification (germline): Pathogenic (1 of 4 stars; one submission).

Submission:

Labcorp Genetics (formerly Invitae), Labcorp
Classification: Pathogenic. Last evaluated: 2025-05-05. Review status: criteria provided, single submitter. Criteria: Invitae Variant Classification Sherloc (09022015). Collection method: clinical testing. Allele origin: germline.
Comment: This sequence change creates a premature translational stop signal (p.Glu85Aspfs*7) in the PRPF31 gene. It is expected to result in an absent or disrupted protein product. Loss-of-function variants in PRPF31 are known to be pathogenic (PMID: 18317597, 23950152). This variant is not present in population databases (gnomAD no frequency). This variant has not been reported in the literature in individuals affected with PRPF31-related conditions. For these reasons, this variant has been classified as Pathogenic.

Literature cited by the submitters: PubMed 18317597; PubMed 23950152.

NM_015629.4(PRPF31):c.254_255insTGAATGG (p.Glu85fs)

Genes: PRPF31 (pre-mRNA processing factor 31; plus strand), PRPF31-AS1 (PRPF31 antisense RNA 1; minus strand). Cytogenetic location: 19q13.42.
Variant type: Insertion.
Coding change: c.254_255insTGAATGG on transcript NM_015629.4 (MANE Select); coding-DNA positions 254 to 255, TGAATGG inserted.
Protein change: p.Glu85fs; shifts the reading frame from glutamic acid 85.
Molecular consequence: frameshift variant. On other transcripts: non-coding transcript variant (1).
Genome position: GRCh38 VCF-style: chr19-54121875-A-ATGAATGG. GRCh37 (hg19) VCF-style: chr19-54625254-A-ATGAATGG.
Other names: short protein forms E85fs.
Identifiers: ClinVar variation 4718129 (VCV004718129.1).